The following is an entry in ClinVar:

ClinVar aggregate classification (germline): Uncertain significance (1 of 4 stars; one submission).

Conditions:
Vici syndrome (VICIS). Identifiers: Orphanet 1493, MedGen C1855772, MONDO:0009452, OMIM 242840.

Allele frequency attached by ClinVar (database versions not stated): gnomAD exomes below 0.00001; TOPMed below 0.00001.
gnomAD v4.1: 1 of 1,611,892 alleles (0.000062%); highest among the groups gnomAD compares: Non-Finnish European, 0.000085%; no homozygotes.

Submission:

Labcorp Genetics (formerly Invitae), Labcorp
Classification: Uncertain significance for Vici syndrome. Last evaluated: 2022-03-05. Review status: criteria provided, single submitter. Criteria: Invitae Variant Classification Sherloc (09022015). Collection method: clinical testing. Allele origin: germline.
Comment: This sequence change replaces histidine, which is basic and polar, with arginine, which is basic and polar, at codon 1962 of the EPG5 protein (p.His1962Arg). This variant is not present in population databases (gnomAD no frequency). This variant has not been reported in the literature in individuals affected with EPG5-related conditions. ClinVar contains an entry for this variant (Variation ID: 847408). Algorithms developed to predict the effect of missense changes on protein structure and function (SIFT, PolyPhen-2, Align-GVGD) all suggest that this variant is likely to be tolerated. In summary, the available evidence is currently insufficient to determine the role of this variant in disease. Therefore, it has been classified as a Variant of Uncertain Significance.

NM_020964.3(EPG5):c.5885A>G (p.His1962Arg)

Gene: EPG5 (ectopic P-granules 5 autophagy tethering factor; minus strand). Cytogenetic location: 18q12.3.
Variant type: single nucleotide variant.
Coding change: c.5885A>G on transcript NM_020964.3 (MANE Select); coding-DNA position 5885, A replaced by G.
Protein change: p.His1962Arg; replaces histidine 1962 with arginine.
Molecular consequence: missense variant.
Genome position (GRCh38, 1-based): chr18:45,878,433, T>C on the plus strand (A>G on the coding strand, the complement: EPG5 is on the minus strand). VCF-style: chr18-45878433-T-C. GRCh37 (hg19) VCF-style: chr18-43458398-T-C.
Other names: short protein forms H1962R.
Identifiers: ClinVar variation 847408 (VCV000847408.8), dbSNP rs1295248603, ClinGen allele CA402342073.
Genomic context (GRCh38, chr18:45,878,433, plus strand): 5'-TACCTTTCGTTGTCCTCTAAAACCAGGATCCATGGCTTAAAGAGCTGAATGATTACTGAA[T>C]GTAGGGATTTCAGCACTAAAAAGTTTTAGAGACAAAACAAAGGTCATCATTTGTCATTTG-3'
Protein context (NP_066015.2, residues 1952-1972): ASRKTVLKSL[His1962Arg]SVIIQLFKPW